The following is an entry in ClinVar:

ClinVar aggregate classification (germline): Pathogenic (1 of 4 stars; one submission).

Submission:

Labcorp Genetics (formerly Invitae), Labcorp
Classification: Pathogenic. Last evaluated: 2023-04-04. Review status: criteria provided, single submitter. Criteria: Invitae Variant Classification Sherloc (09022015). Collection method: clinical testing. Allele origin: germline.
Comment: This variant has not been reported in the literature in individuals affected with GNPTG-related conditions. Algorithms developed to predict the effect of sequence changes on RNA splicing suggest that this variant may disrupt the consensus splice site. For these reasons, this variant has been classified as Pathogenic. This variant is not present in population databases (gnomAD no frequency). This sequence change creates a premature translational stop signal (p.Glu214Hisfs*9) in the GNPTG gene. It is expected to result in an absent or disrupted protein product. Loss-of-function variants in GNPTG are known to be pathogenic (PMID: 19370764, 20301784).

Literature cited by the submitters: PubMed 19370764; PubMed 20301784.

NM_032520.5(GNPTG):c.632_639dup (p.Glu214fs)

Gene: GNPTG (N-acetylglucosamine-1-phosphate transferase subunit gamma; plus strand). Cytogenetic location: 16p13.3.
Variant type: Duplication.
Coding change: c.632_639dup on transcript NM_032520.5 (MANE Select); coding-DNA positions 632 to 639, 8 bases duplicated (CACTTTTT; older notation c.632_639dupCACTTTTT).
Protein change: p.Glu214fs; shifts the reading frame from glutamic acid 214.
Molecular consequence: frameshift variant.
Genome position (GRCh38, 1-based): chr16:1,362,633-1,362,640, CACTTTTT duplicated. VCF-style (leftmost placement, unchanged base first): chr16-1362632-A-ACACTTTTT. GRCh37 (hg19) VCF-style: chr16-1412633-A-ACACTTTTT.
Other names: short protein forms E214fs.
Identifiers: ClinVar variation 2851991 (VCV002851991.3), dbSNP rs2548190647, ClinGen allele CA2739269830.